The following is an entry in ClinVar:

NM_000219.6(KCNE1):c.5T>A (p.Ile2Asn)

Gene: KCNE1 (potassium voltage-gated channel subfamily E regulatory subunit 1; minus strand). Cytogenetic location: 21q22.12.
Variant type: single nucleotide variant.
Coding change: c.5T>A on transcript NM_000219.6 (MANE Select); coding-DNA position 5, T replaced by A.
Protein change: p.Ile2Asn; replaces isoleucine 2 with asparagine.
Molecular consequence: missense variant.
Genome position (GRCh38, 1-based): chr21:34,449,630, A>T on the plus strand (T>A on the coding strand, the complement: KCNE1 is on the minus strand). VCF-style: chr21-34449630-A-T. GRCh37 (hg19) VCF-style: chr21-35821928-A-T.
Other names: c.5T>A, p.Ile2Asn (NM_001127668.4, NM_001127669.4, NM_001127670.4 and 4 more transcripts); short protein forms I2N.
Identifiers: ClinVar variation 3373894 (VCV003373894.2).

Conditions:
Long QT syndrome 5 (LQT5). Identifiers: Orphanet 101016, Orphanet 768, MedGen C1867904, MONDO:0013372, OMIM 613695.

Submission:

Roden Lab, Vanderbilt University Medical Center
No classification provided (evidence only). Condition: Long QT syndrome 5. Review status: no classification provided. Collection method: in vitro. Allele origin: not applicable. Functional consequence: Effect on ion channel function.
ClinVar note: "not provided" was previously submitted as the classification for the variant. However, the classification appeared to be based only on an observation of functional data so it was converted to no classification on 2025-07-30.